The following is an entry in ClinVar:

NM_004990.4(MARS1):c.160G>A (p.Asp54Asn)

Gene: MARS1 (methionyl-tRNA synthetase 1; plus strand). Cytogenetic location: 12q13.3.
Variant type: single nucleotide variant.
Coding change: c.160G>A on transcript NM_004990.4 (MANE Select); coding-DNA position 160, G replaced by A.
Protein change: p.Asp54Asn; replaces aspartic acid 54 with asparagine.
Molecular consequence: missense variant.
Genome position (GRCh38, 1-based): chr12:57,489,069, G>A. VCF-style: chr12-57489069-G-A. GRCh37 (hg19) VCF-style: chr12-57882852-G-A.
Other names: short protein forms D54N.
Identifiers: ClinVar variation 4785676 (VCV004785676.1).

ClinVar aggregate classification (germline): Uncertain significance (1 of 4 stars; one submission).

Conditions:
Severe early-onset pulmonary alveolar proteinosis due to MARS deficiency. Also called: PULMONARY ALVEOLAR PROTEINOSIS, REUNION ISLAND; Interstitial lung and liver disease. Identifiers: Orphanet 440427, MedGen C4225400, MONDO:0014206, OMIM 615486.
Charcot-Marie-Tooth disease axonal type 2U. Also called: CHARCOT-MARIE-TOOTH NEUROPATHY, TYPE 2U; CHARCOT-MARIE-TOOTH DISEASE, AXONAL, AUTOSOMAL DOMINANT, TYPE 2U. Identifiers: Orphanet 397735, MedGen C4084821, MONDO:0014566, OMIM 616280.

Submission:

Labcorp Genetics (formerly Invitae), Labcorp
Classification: Uncertain significance for Charcot-Marie-Tooth disease axonal type 2U; Severe early-onset pulmonary alveolar proteinosis due to MARS deficiency. Last evaluated: 2025-12-24. Review status: criteria provided, single submitter. Criteria: Invitae Variant Classification Sherloc (09022015). Collection method: clinical testing. Allele origin: germline.
Comment: This sequence change replaces aspartic acid, which is acidic and polar, with asparagine, which is neutral and polar, at codon 54 of the MARS protein (p.Asp54Asn). This variant is not present in population databases (gnomAD no frequency). This variant has not been reported in the literature in individuals affected with MARS-related conditions. An algorithm developed to predict the effect of missense changes on protein structure and function (PolyPhen-2) suggests that this variant is likely to be tolerated. In summary, the available evidence is currently insufficient to determine the role of this variant in disease. Therefore, it has been classified as a Variant of Uncertain Significance.